The following is an entry in ClinVar:

ClinVar aggregate classification (germline): Likely pathogenic (1 of 4 stars; one submission).

Conditions:
Supravalvar aortic stenosis (SVAS). Also called: Supravalvar aortic stenosis, Eisenberg type. Identifiers: Orphanet 3193, MedGen C0003499, MONDO:0008504, OMIM 185500, HP:0004381.

Submission:

Labcorp Genetics (formerly Invitae), Labcorp
Classification: Likely pathogenic for Supravalvar aortic stenosis. Last evaluated: 2020-02-26. Review status: criteria provided, single submitter. Criteria: Invitae Variant Classification Sherloc (09022015). Collection method: clinical testing. Allele origin: unknown.
Comment: In summary, the currently available evidence indicates that the variant is pathogenic, but additional data are needed to prove that conclusively. Therefore, this variant has been classified as Likely Pathogenic. Loss-of-function variants in ELN are known to be pathogenic (PMID: 11175284). This variant has not been reported in the literature in individuals with ELN-related conditions. This variant results in the deletion of exon(s) 4-5 and part of exon 6 (c.164-12_303delins38) of the ELN gene. It is expected to disrupt RNA splicing and likely results in an absent or disrupted protein product.

Literature cited by the submitters: PubMed 11175284.

NC_000007.13:g.(?_73452025)_(73457014_?)del

Gene: ELN (elastin; plus strand). Cytogenetic location: 7q11.23.
Variant type: Deletion.
Identifiers: ClinVar variation 3245621 (VCV003245621.1).